The following is an entry in ClinVar:

ClinVar aggregate classification (germline): Conflicting classifications of pathogenicity. Review status: criteria provided, conflicting classifications (1 of 4 stars). 4 submissions from 4 submitters: Pathogenic (1); Uncertain significance (3). Last evaluated 2026-09-01.

Conditions:
Epilepsy, idiopathic generalized, susceptibility to, 13. Also called: EPILEPSY, JUVENILE MYOCLONIC, SUSCEPTIBILITY TO, 5. Identifiers: Orphanet 307, Orphanet 64280, MedGen C4013473, MONDO:0012627, OMIM 611136.
Idiopathic generalized epilepsy. Also called: Generalised epilepsy; EIG. Identifiers: MedGen C0270850, MONDO:0005579, OMIM 600669.
Epilepsy, childhood absence 4 (ECA4). Also called: EPILEPSY, CHILDHOOD ABSENCE, SUSCEPTIBILITY TO, 4. Identifiers: Orphanet 307, MedGen C1970160.
Developmental and epileptic encephalopathy, 19 (DEE19). Also called: Epileptic encephalopathy, early infantile, 19. Identifiers: Orphanet 33069, MedGen C3810400, MONDO:0014328, OMIM 615744.

Submissions (4):

GeneDx
Classification: Uncertain significance. Last evaluated: 2026-09-01. Review status: criteria provided, single submitter. Criteria: GeneDx Variant Classification Process June 2021. Collection method: clinical testing. Allele origin: germline.
Comment: Not observed at significant frequency in large population cohorts (gnomAD); In silico analysis suggests that this missense variant does not alter protein structure/function; Has not been previously published as pathogenic or benign to our knowledge

Genesolutions, Medical Genetics Institutes, Ho Chi Minh City, Vietnam
Classification: Pathogenic for Developmental and epileptic encephalopathy, 19. Last evaluated: 2025-09-24. Review status: criteria provided, single submitter. Criteria: ACMG Guidelines, 2015. Collection method: clinical testing. Allele origin: germline. Affected: yes.

Mayo Clinic Laboratories, Mayo Clinic
Classification: Uncertain significance. Last evaluated: 2023-11-13. Review status: criteria provided, single submitter. Criteria: ACMG Guidelines, 2015. Collection method: clinical testing. Allele origin: germline. Observed: 1 variant allele.
Comment: PP2, PM2_moderate

Labcorp Genetics (formerly Invitae), Labcorp
Classification: Uncertain significance for Epilepsy, childhood absence 4; Epilepsy, idiopathic generalized, susceptibility to, 13; Idiopathic generalized epilepsy. Last evaluated: 2023-11-06. Review status: criteria provided, single submitter. Criteria: Invitae Variant Classification Sherloc (09022015). Collection method: clinical testing. Allele origin: germline.
Comment: This sequence change replaces tryptophan, which is neutral and slightly polar, with cysteine, which is neutral and slightly polar, at codon 14 of the GABRA1 protein (p.Trp14Cys). This variant is not present in population databases (gnomAD no frequency). This variant has not been reported in the literature in individuals affected with GABRA1-related conditions. Advanced modeling of protein sequence and biophysical properties (such as structural, functional, and spatial information, amino acid conservation, physicochemical variation, residue mobility, and thermodynamic stability) performed at Invitae indicates that this missense variant is not expected to disrupt GABRA1 protein function with a negative predictive value of 95%. In summary, the available evidence is currently insufficient to determine the role of this variant in disease. Therefore, it has been classified as a Variant of Uncertain Significance.

NM_001127644.2(GABRA1):c.42G>T (p.Trp14Cys)

Gene: GABRA1 (gamma-aminobutyric acid type A receptor subunit alpha1; plus strand). Cytogenetic location: 5q34.
Variant type: single nucleotide variant.
Coding change: c.42G>T on transcript NM_001127644.2 (MANE Select); coding-DNA position 42, G replaced by T.
Protein change: p.Trp14Cys; replaces tryptophan 14 with cysteine.
Molecular consequence: missense variant.
Genome position (GRCh38, 1-based): chr5:161,850,852, G>T. VCF-style: chr5-161850852-G-T. GRCh37 (hg19) VCF-style: chr5-161277858-G-T.
Other names: p.Trp14Cys; c.42G>T, p.Trp14Cys (NM_000806.5, NM_001127643.2, NM_001127645.2 and 1 more transcripts); short protein forms W14C.
Identifiers: ClinVar variation 2945986 (VCV002945986.7), dbSNP rs2113293899, ClinGen allele CA362181137.